The following is an entry in ClinVar:

ClinVar aggregate classification (germline): Uncertain significance. Review status: criteria provided, multiple submitters, no conflicts (2 of 4 stars). 2 submissions from 2 submitters: Uncertain significance (2). Last evaluated 2024-04-22.

Conditions:
Autoinflammatory syndrome. Identifiers: Orphanet 93665, MedGen C3890737, MONDO:0019751.
Familial cold autoinflammatory syndrome 2 (FCAS2). Identifiers: Orphanet 247868, MedGen C2673198, MONDO:0012724, OMIM 611762.

Allele frequency attached by ClinVar (database versions not stated): gnomAD below 0.00001 and 0.00004; gnomAD exomes 0.00003 and 0.00004; ExAC 0.00008; 1000 Genomes Project 30x 0.00031; 1000 Genomes Project 0.00040.

Submissions (2):

Labcorp Genetics (formerly Invitae), Labcorp
Classification: Uncertain significance for Familial cold autoinflammatory syndrome 2. Last evaluated: 2024-04-22. Review status: criteria provided, single submitter. Criteria: Invitae Variant Classification Sherloc (09022015). Collection method: clinical testing. Allele origin: germline.
Comment: This sequence change replaces glycine, which is neutral and non-polar, with aspartic acid, which is acidic and polar, at codon 180 of the NLRP12 protein (p.Gly180Asp). This variant is present in population databases (rs553635077, gnomAD 0.04%). This variant has not been reported in the literature in individuals affected with NLRP12-related conditions. ClinVar contains an entry for this variant (Variation ID: 1000903). An algorithm developed to predict the effect of missense changes on protein structure and function (PolyPhen-2) suggests that this variant is likely to be tolerated. In summary, the available evidence is currently insufficient to determine the role of this variant in disease. Therefore, it has been classified as a Variant of Uncertain Significance.

Genome Diagnostics Laboratory, The Hospital for Sick Children
Classification: Uncertain significance for Autoinflammatory syndrome. Last evaluated: 2018-02-01. Review status: criteria provided, single submitter. Criteria: ACMG Guidelines, 2015. Collection method: clinical testing. Allele origin: germline. Affected: yes.

NM_144687.4(NLRP12):c.539G>A (p.Gly180Asp)

Gene: NLRP12 (NLR family pyrin domain containing 12; minus strand). Cytogenetic location: 19q13.42.
Variant type: single nucleotide variant.
Coding change: c.539G>A on transcript NM_144687.4 (MANE Select); coding-DNA position 539, G replaced by A.
Protein change: p.Gly180Asp; replaces glycine 180 with aspartic acid.
Molecular consequence: missense variant.
Genome position (GRCh38, 1-based): chr19:53,811,120, C>T on the plus strand (G>A on the coding strand, the complement: NLRP12 is on the minus strand). VCF-style: chr19-53811120-C-T. GRCh37 (hg19) VCF-style: chr19-54314374-C-T.
Other names: c.539G>A, p.Gly180Asp (NM_001277126.2, NM_001277129.1); short protein forms G180D.
Identifiers: ClinVar variation 1000903 (VCV001000903.10), dbSNP rs553635077, ClinGen allele CA9639682.